The following is an entry in ClinVar:

NM_024408.4(NOTCH2):c.3877C>T (p.Arg1293Cys)

Gene: NOTCH2 (notch receptor 2; minus strand). Cytogenetic location: 1p12.
Variant type: single nucleotide variant.
Coding change: c.3877C>T on transcript NM_024408.4 (MANE Select); coding-DNA position 3877, C replaced by T.
Protein change: p.Arg1293Cys; replaces arginine 1293 with cysteine.
Molecular consequence: missense variant.
Genome position (GRCh38, 1-based): chr1:119,928,991, G>A on the plus strand (C>T on the coding strand, the complement: NOTCH2 is on the minus strand). VCF-style: chr1-119928991-G-A. GRCh37 (hg19) VCF-style: chr1-120471614-G-A.
Other names: short protein forms R1293C.
Identifiers: ClinVar variation 3586401 (VCV003586401.2).

ClinVar aggregate classification (germline): Uncertain significance. Review status: criteria provided, multiple submitters, no conflicts (2 of 4 stars). 2 submissions from 2 submitters: Uncertain significance (2). Last evaluated 2025-07-14.

Conditions:
Hajdu-Cheney syndrome (HJCYS). Also called: Acroosteolysis dominant type; ACROOSTEOLYSIS WITH OSTEOPOROSIS AND CHANGES IN SKULL AND MANDIBLE; SERPENTINE FIBULA-POLYCYSTIC KIDNEY SYNDROME. Identifiers: Orphanet 955, MedGen C0917715, MONDO:0007057, OMIM 102500.
Alagille syndrome due to a NOTCH2 point mutation. Also called: Alagille syndrome 2. Identifiers: Orphanet 261629, Orphanet 52, MedGen C1857761, MONDO:0012439, OMIM 610205.

gnomAD v4.1: 15 of 1,613,918 alleles (0.00093%); highest among the groups gnomAD compares: African/African-American, 0.0027%; no homozygotes.

Submissions (2):

Labcorp Genetics (formerly Invitae), Labcorp
Classification: Uncertain significance for Hajdu-Cheney syndrome. Last evaluated: 2025-07-14. Review status: criteria provided, single submitter. Criteria: Invitae Variant Classification Sherloc (09022015). Collection method: clinical testing. Allele origin: germline.
Comment: This sequence change replaces arginine, which is basic and polar, with cysteine, which is neutral and slightly polar, at codon 1293 of the NOTCH2 protein (p.Arg1293Cys). This variant is not present in population databases (gnomAD no frequency). This variant has not been reported in the literature in individuals affected with NOTCH2-related conditions. ClinVar contains an entry for this variant (Variation ID: 3586401). Invitae Evidence Modeling of protein sequence and biophysical properties (such as structural, functional, and spatial information, amino acid conservation, physicochemical variation, residue mobility, and thermodynamic stability) indicates that this missense variant is not expected to disrupt NOTCH2 protein function with a negative predictive value of 80%. In summary, the available evidence is currently insufficient to determine the role of this variant in disease. Therefore, it has been classified as a Variant of Uncertain Significance.

Fulgent Genetics
Classification: Uncertain significance for Hajdu-Cheney syndrome; Alagille syndrome due to a NOTCH2 point mutation. Last evaluated: 2024-03-06. Review status: criteria provided, single submitter. Criteria: ACMG Guidelines, 2015. Collection method: clinical testing. Allele origin: germline.